The following is an entry in ClinVar:

NM_001039672.3(YIF1B):c.660C>T (p.Ile220=)

Gene: YIF1B (Yip1 interacting factor homolog B, membrane trafficking protein; minus strand). Cytogenetic location: 19q13.2.
Variant type: single nucleotide variant.
Coding change: c.660C>T on transcript NM_001039672.3 (MANE Select); coding-DNA position 660, C replaced by T.
Protein change: p.Ile220=; no amino-acid change (isoleucine 220 retained).
Molecular consequence: synonymous variant.
Genome position (GRCh38, 1-based): chr19:38,307,632, G>A on the plus strand (C>T on the coding strand, the complement: YIF1B is on the minus strand). VCF-style: chr19-38307632-G-A. GRCh37 (hg19) VCF-style: chr19-38798272-G-A.
Other names: c.651C>T, p.Ile217= (NM_001039673.3, NM_001145463.2); c.609C>T, p.Ile203= (NM_001145461.2); c.567C>T, p.Ile189= (NM_001145462.2); c.615C>T, p.Ile205= (NM_001039671.3).
Identifiers: ClinVar variation 3025179 (VCV003025179.22), dbSNP rs1430381310, ClinGen allele CA507232617.

ClinVar aggregate classification (germline): Likely benign (1 of 4 stars; one submission).

Allele frequency attached by ClinVar (database versions not stated): gnomAD 0.00001; TOPMed 0.00001; gnomAD exomes 0.00002.

Submission:

CeGaT Center for Human Genetics Tuebingen
Classification: Likely benign. Last evaluated: 2024-01-01. Review status: criteria provided, single submitter. Criteria: CeGaT Center For Human Genetics Tuebingen Variant Classification Criteria Version 2. Collection method: clinical testing. Allele origin: germline. Affected: yes. Observed: 1 variant allele.
Comment: YIF1B: BP4, BP7